The following is an entry in ClinVar:

NM_033124.5(DRC2):c.1414C>T (p.Arg472Cys)

Gene: DRC2 (dynein regulatory complex subunit 2; plus strand). Cytogenetic location: 12q13.12.
Variant type: single nucleotide variant.
Coding change: c.1414C>T on transcript NM_033124.5 (MANE Select); coding-DNA position 1414, C replaced by T.
Protein change: p.Arg472Cys; replaces arginine 472 with cysteine.
Molecular consequence: missense variant.
Genome position (GRCh38, 1-based): chr12:48,921,402, C>T. VCF-style: chr12-48921402-C-T. GRCh37 (hg19) VCF-style: chr12-49315185-C-T.
Other names: c.985C>T, p.Arg329Cys (NM_001286957.2); short protein forms R329C, R472C.
Identifiers: ClinVar variation 3139268 (VCV003139268.2), dbSNP rs765833580, ClinGen allele CA6543512.

ClinVar aggregate classification (germline): Uncertain significance. Review status: criteria provided, multiple submitters, no conflicts (2 of 4 stars). 2 submissions from 2 submitters: Uncertain significance (2). Last evaluated 2025-11-24.

Conditions:
Inborn genetic diseases. Identifiers: MedGen C0950123, MeSH D030342.
Primary ciliary dyskinesia 27. Also called: CILIARY DYSKINESIA, PRIMARY, 27, WITHOUT SITUS INVERSUS. Identifiers: Orphanet 244, MedGen C3809701, MONDO:0014215, OMIM 615504.

Allele frequency attached by ClinVar (database versions not stated): TOPMed 0.00004; ExAC 0.00012; gnomAD 0.00005.
gnomAD v4.1: 107 of 1,613,240 alleles (0.0066%); highest among the groups gnomAD compares: South Asian, 0.075%; no homozygotes.

Submissions (2):

Labcorp Genetics (formerly Invitae), Labcorp
Classification: Uncertain significance for Primary ciliary dyskinesia 27. Last evaluated: 2025-11-24. Review status: criteria provided, single submitter. Criteria: Invitae Variant Classification Sherloc (09022015). Collection method: clinical testing. Allele origin: germline.
Comment: This sequence change replaces arginine, which is basic and polar, with cysteine, which is neutral and slightly polar, at codon 472 of the CCDC65 protein (p.Arg472Cys). This variant is present in population databases (rs765833580, gnomAD 0.08%). This variant has not been reported in the literature in individuals affected with CCDC65-related conditions. ClinVar contains an entry for this variant (Variation ID: 3139268). An algorithm developed to predict the effect of missense changes on protein structure and function (PolyPhen-2) suggests that this variant is likely to be tolerated. In summary, the available evidence is currently insufficient to determine the role of this variant in disease. Therefore, it has been classified as a Variant of Uncertain Significance.

Ambry Genetics
Classification: Uncertain significance for Inborn genetic diseases. Last evaluated: 2023-12-17. Review status: criteria provided, single submitter. Criteria: Ambry Variant Classification Scheme 2023. Collection method: clinical testing. Allele origin: germline.